The following is an entry in ClinVar:

NM_014165.4(NDUFAF4):c.238C>A (p.Gln80Lys)

Gene: NDUFAF4 (NADH:ubiquinone oxidoreductase complex assembly factor 4; minus strand). Cytogenetic location: 6q16.1.
Variant type: single nucleotide variant.
Coding change: c.238C>A on transcript NM_014165.4 (MANE Select); coding-DNA position 238, C replaced by A.
Protein change: p.Gln80Lys; replaces glutamine 80 with lysine.
Molecular consequence: missense variant.
Genome position (GRCh38, 1-based): chr6:96,896,746, G>T on the plus strand (C>A on the coding strand, the complement: NDUFAF4 is on the minus strand). VCF-style: chr6-96896746-G-T. GRCh37 (hg19) VCF-style: chr6-97344622-G-T.
Other names: short protein forms Q80K.
Identifiers: ClinVar variation 214750 (VCV000214750.1), dbSNP rs755636317, ClinGen allele CA324877.

ClinVar aggregate classification (germline): Likely benign (1 of 4 stars; one submission).

Submission:

GeneDx
Classification: Likely benign. Last evaluated: 2014-04-09. Review status: criteria provided, single submitter. Criteria: GeneDx Variant Classification (06012015). Collection method: clinical testing. Allele origin: germline. Affected: yes.
Comment: This variant is considered likely benign or benign based on one or more of the following criteria: it is a conservative change, it occurs at a poorly conserved position in the protein, it is predicted to be benign by multiple in silico algorithms, and/or has population frequency not consistent with disease.